The following is an entry in ClinVar:

ClinVar aggregate classification (germline): Uncertain significance (1 of 4 stars; one submission).

Allele frequency attached by ClinVar (database versions not stated): gnomAD 0.00001; TOPMed 0.00001.
gnomAD v4.1: 1 of 1,614,104 alleles (0.000062%); highest among the groups gnomAD compares: African/African-American, 0.0013%; no homozygotes.

Submission:

GeneDx
Classification: Uncertain significance. Last evaluated: 2025-02-23. Review status: criteria provided, single submitter. Criteria: GeneDx Variant Classification Process June 2021. Collection method: clinical testing. Allele origin: germline. Affected: yes.
Comment: Not observed at significant frequency in large population cohorts (gnomAD); In silico analysis supports that this missense variant has a deleterious effect on protein structure/function; Has not been previously published as pathogenic or benign to our knowledge

NM_021224.6(ZNF462):c.6644G>A (p.Gly2215Asp)

Gene: ZNF462 (zinc finger protein 462; plus strand). Cytogenetic location: 9q31.2.
Variant type: single nucleotide variant.
Coding change: c.6644G>A on transcript NM_021224.6 (MANE Select); coding-DNA position 6644, G replaced by A.
Protein change: p.Gly2215Asp; replaces glycine 2215 with aspartic acid.
Molecular consequence: missense variant.
Genome position (GRCh38, 1-based): chr9:106,972,221, G>A. VCF-style: chr9-106972221-G-A. GRCh37 (hg19) VCF-style: chr9-109734502-G-A.
Other names: c.4049G>A, p.Gly1350Asp (NM_001347997.2); short protein forms G1350D, G2215D.
Identifiers: ClinVar variation 1307814 (VCV001307814.3), dbSNP rs1212785238, ClinGen allele CA374659827.